The following is an entry in ClinVar:

NM_018245.3(OGDHL):c.1057A>C (p.Ile353Leu)

Gene: OGDHL (oxoglutarate dehydrogenase L; minus strand). Cytogenetic location: 10q11.23.
Variant type: single nucleotide variant.
Coding change: c.1057A>C on transcript NM_018245.3 (MANE Select); coding-DNA position 1057, A replaced by C.
Protein change: p.Ile353Leu; replaces isoleucine 353 with leucine.
Molecular consequence: missense variant. On other transcripts: non-coding transcript variant (5).
Genome position (GRCh38, 1-based): chr10:49,747,139, T>G on the plus strand (A>C on the coding strand, the complement: OGDHL is on the minus strand). VCF-style: chr10-49747139-T-G. GRCh37 (hg19) VCF-style: chr10-50955185-T-G.
Other names: c.886A>C, p.Ile296Leu (NM_001143996.2, NM_001347820.1); c.430A>C, p.Ile144Leu (NM_001143997.2, NM_001347821.2, NM_001347822.1 and 1 more transcripts); c.1057A>C, p.Ile353Leu (NM_001347819.1, NM_001347823.1, NM_001347824.2); c.40A>C, p.Ile14Leu (NM_001347826.1); short protein forms I144L, I14L, I296L, I353L.
Identifiers: ClinVar variation 3049152 (VCV003049152.3), dbSNP rs35902957, ClinGen allele CA5498699.
Genomic context (GRCh38, chr10:49,747,139, plus strand): 5'-CCTGCACCACAGGGTCCACTGCCTCCAGGTGGGAGGGGTTGGCAACCAGCGACAGAGTGA[T>G]GTTCCGGTTGGTGACGCGGTTGATCCTCTCATGGTACATGCCCAGGTGGTACTTGACATC-3'
Protein context (NP_060715.2, residues 343-363): ERINRVTNRN[Ile353Leu]TLSLVANPSH

ClinVar aggregate classification (germline): Uncertain significance. Review status: criteria provided, single submitter (1 of 4 stars). 2 submissions from 2 submitters: Uncertain significance (1). 1 of the submissions does not count toward it. Last evaluated 2022-09-16.

Conditions:
OGDHL-related disorder. Also called: OGDHL-related condition.
Inborn genetic diseases. Identifiers: MedGen C0950123, MeSH D030342.

Allele frequency attached by ClinVar (database versions not stated): ExAC 0.00035; TOPMed 0.00058; gnomAD 0.00059; ESP Exome Variant Server 0.00069; gnomAD exomes 0.00082.
gnomAD v4.1: 1,263 of 1,614,090 alleles (0.078%); highest among the groups gnomAD compares: Non-Finnish European, 0.1%; no homozygotes.

Submissions (2):

Ambry Genetics
Classification: Uncertain significance for Inborn genetic diseases. Last evaluated: 2022-09-16. Review status: criteria provided, single submitter. Criteria: Ambry Variant Classification Scheme 2023. Collection method: clinical testing. Allele origin: germline.

PreventionGenetics, part of Exact Sciences
Classification: Likely benign for OGDHL-related condition. Last evaluated: 2023-01-03. Review status: no assertion criteria provided. Collection method: clinical testing. Allele origin: germline. Not counted in ClinVar's aggregate classification.
Comment: This variant is classified as likely benign based on ACMG/AMP sequence variant interpretation guidelines (Richards et al. 2015 PMID: 25741868, with internal and published modifications).